The following is an entry in ClinVar:

ClinVar aggregate classification (germline): Conflicting classifications of pathogenicity. Review status: criteria provided, conflicting classifications (1 of 4 stars). 4 submissions from 4 submitters: Uncertain significance (1); Benign (1); Likely benign (2). Last evaluated 2026-02-01.

Conditions:
Combined immunodeficiency due to CD3gamma deficiency. Also called: Immunodeficiency 17; Immunodeficiency 17, CD3 gamma deficient; CD3-GAMMA DEFICIENCY; SCID-LIKE IMMUNODEFICIENCY, T CELL-PARTIAL, B CELL-POSITIVE, NK CELL-POSITIVE. Identifiers: Orphanet 169082, MedGen C3810107, MONDO:0014276, OMIM 615607.

Allele frequency attached by ClinVar (database versions not stated): ESP Exome Variant Server 0.00339; gnomAD exomes 0.00025 and 0.00070; ExAC 0.00079; gnomAD 0.00249 and 0.00266; TOPMed 0.00283; 1000 Genomes Project 30x 0.00297; 1000 Genomes Project 0.00339.

Submissions (4):

Labcorp Genetics (formerly Invitae), Labcorp
Classification: Benign for Combined immunodeficiency due to CD3gamma deficiency. Last evaluated: 2026-02-01. Review status: criteria provided, single submitter. Criteria: Invitae Variant Classification Sherloc (09022015). Collection method: clinical testing. Allele origin: germline.

Mayo Clinic Laboratories, Mayo Clinic
Classification: Likely benign. Last evaluated: 2025-10-16. Review status: criteria provided, single submitter. Criteria: ACMG Guidelines, 2015. Collection method: clinical testing. Allele origin: germline. Observed: 1 variant allele.
Comment: BS1, BP4, BP7

Blueprint Genetics
Classification: Likely benign. Last evaluated: 2024-10-22. Review status: criteria provided, single submitter. Criteria: ACMG Guidelines, 2015. Collection method: clinical testing. Allele origin: germline.

Illumina Laboratory Services, Illumina
Classification: Uncertain significance for Combined immunodeficiency due to CD3gamma deficiency. Last evaluated: 2018-01-13. Review status: criteria provided, single submitter. Criteria: ICSL Variant Classification Criteria 13 December 2019. Collection method: clinical testing. Allele origin: germline.

NM_000073.3(CD3G):c.79+10A>G

Gene: CD3G (CD3 gamma subunit of T-cell receptor complex; plus strand). Cytogenetic location: 11q23.3.
Variant type: single nucleotide variant.
Coding change: c.79+10A>G on transcript NM_000073.3 (MANE Select); 10 bases into the intron after coding-DNA position 79, A replaced by G.
Molecular consequence: intron variant.
Genome position (GRCh38, 1-based): chr11:118,349,060, A>G. VCF-style: chr11-118349060-A-G. GRCh37 (hg19) VCF-style: chr11-118219775-A-G.
Other names: p.?.
Identifiers: ClinVar variation 474801 (VCV000474801.18), dbSNP rs115851096, ClinGen allele CA6302079.